The following is an entry in ClinVar:

NM_001032283.3(TMPO):c.565+2340C>G

Gene: TMPO (thymopoietin; plus strand). Cytogenetic location: 12q23.1.
Variant type: single nucleotide variant.
Coding change: c.565+2340C>G on transcript NM_001032283.3 (MANE Select); 2340 bases into the intron after coding-DNA position 565, C replaced by G.
Molecular consequence: intron variant. On other transcripts: missense variant (1).
Genome position (GRCh38, 1-based): chr12:98,534,178, C>G. VCF-style: chr12-98534178-C-G. GRCh37 (hg19) VCF-style: chr12-98927956-C-G.
Other names: c.1921C>G, p.His641Asp (NM_003276.2); c.565+2340C>G (NM_001307975.2, NM_001032284.3); short protein forms H641D.
Identifiers: ClinVar variation 1007527 (VCV001007527.10), dbSNP rs1877418406, ClinGen allele CA386154219.

ClinVar aggregate classification (germline): Uncertain significance. Review status: criteria provided, multiple submitters, no conflicts (2 of 4 stars). 2 submissions from 2 submitters: Uncertain significance (2). Last evaluated 2025-06-25.

Conditions:
Loeys-Dietz syndrome 2 (LDS2). Also called: Marfan syndrome, type 2 (formerly); TGFBR2-Related Loeys-Dietz Syndrome; Marfan Syndrome type 2; Marfan like connective tissue disorder; MFS 2; MARFAN SYNDROME, TYPE II. Identifiers: Orphanet 284973, Orphanet 558, MedGen C2674574, MONDO:0012427, OMIM 610168.

Submissions (2):

Ambry Genetics
Classification: Uncertain significance. Last evaluated: 2025-06-25. Review status: criteria provided, single submitter. Criteria: Ambry Variant Classification Scheme 2023. Collection method: clinical testing. Allele origin: germline.

Labcorp Genetics (formerly Invitae), Labcorp
Classification: Uncertain significance for Loeys-Dietz syndrome 2. Last evaluated: 2020-10-06. Review status: criteria provided, single submitter. Criteria: Invitae Variant Classification Sherloc (09022015). Collection method: clinical testing. Allele origin: germline.
Comment: In summary, the available evidence is currently insufficient to determine the role of this variant in disease. Therefore, it has been classified as a Variant of Uncertain Significance. Algorithms developed to predict the effect of missense changes on protein structure and function (SIFT, PolyPhen-2, Align-GVGD) all suggest that this variant is likely to be tolerated, but these predictions have not been confirmed by published functional studies and their clinical significance is uncertain. This variant has not been reported in the literature in individuals with TMPO-related conditions. This variant is not present in population databases (ExAC no frequency). This sequence change replaces histidine with aspartic acid at codon 641 of the TMPO protein (p.His641Asp). The histidine residue is weakly conserved and there is a moderate physicochemical difference between histidine and aspartic acid.